The following is an entry in ClinVar:

ClinVar aggregate classification (germline): Uncertain significance (1 of 4 stars; one submission).

Conditions:
Dihydropteridine reductase deficiency (HPABH4C). Also called: BH4-Deficient Hyperphenylalaninemia C; HYPERPHENYLALANINEMIA, TETRAHYDROBIOPTERIN-DEFICIENT, DUE TO DHPR DEFICIENCY; QDPR DEFICIENCY; QUINOID DIHYDROPTERIDINE REDUCTASE DEFICIENCY; Phenylketonuria II; Hyperphenylalaninemia due to dihydropteridine reductase deficiency. Identifiers: Orphanet 226, Orphanet 238583, MedGen C0268465, MONDO:0009862, OMIM 261630.

Allele frequency attached by ClinVar (database versions not stated): TOPMed below 0.00001; gnomAD exomes 0.00001.
gnomAD v4.1: 10 of 1,613,936 alleles (0.00062%); highest among the groups gnomAD compares: Non-Finnish European, 0.00085%; no homozygotes.

Submission:

Labcorp Genetics (formerly Invitae), Labcorp
Classification: Uncertain significance for Dihydropteridine reductase deficiency. Last evaluated: 2022-06-22. Review status: criteria provided, single submitter. Criteria: Invitae Variant Classification Sherloc (09022015). Collection method: clinical testing. Allele origin: germline.
Comment: This sequence change replaces aspartic acid, which is acidic and polar, with alanine, which is neutral and non-polar, at codon 58 of the QDPR protein (p.Asp58Ala). This variant is not present in population databases (gnomAD no frequency). This variant has not been reported in the literature in individuals affected with QDPR-related conditions. Algorithms developed to predict the effect of missense changes on protein structure and function (SIFT, PolyPhen-2, Align-GVGD) all suggest that this variant is likely to be tolerated. In summary, the available evidence is currently insufficient to determine the role of this variant in disease. Therefore, it has been classified as a Variant of Uncertain Significance.

NM_000320.3(QDPR):c.173A>C (p.Asp58Ala)

Gene: QDPR (quinoid dihydropteridine reductase; minus strand). Cytogenetic location: 4p15.32.
Variant type: single nucleotide variant.
Coding change: c.173A>C on transcript NM_000320.3 (MANE Select); coding-DNA position 173, A replaced by C.
Protein change: p.Asp58Ala; replaces aspartic acid 58 with alanine.
Molecular consequence: missense variant. On other transcripts: non-coding transcript variant (1), intron variant (1).
Genome position (GRCh38, 1-based): chr4:17,509,296, T>G on the plus strand (A>C on the coding strand, the complement: QDPR is on the minus strand). VCF-style: chr4-17509296-T-G. GRCh37 (hg19) VCF-style: chr4-17510919-T-G.
Other names: c.105+2654A>C (NM_001306140.2); short protein forms D58A.
Identifiers: ClinVar variation 2192922 (VCV002192922.1), dbSNP rs1200337563, ClinGen allele CA356453000.